The following is an entry in ClinVar:

NM_004329.3(BMPR1A):c.583C>A (p.Gln195Lys)

Gene: BMPR1A (bone morphogenetic protein receptor type 1A; plus strand). Cytogenetic location: 10q23.2.
Variant type: single nucleotide variant.
Coding change: c.583C>A on transcript NM_004329.3 (MANE Select); coding-DNA position 583, C replaced by A.
Protein change: p.Gln195Lys; replaces glutamine 195 with lysine.
Molecular consequence: missense variant.
Genome position (GRCh38, 1-based): chr10:86,912,292, C>A. VCF-style: chr10-86912292-C-A. GRCh37 (hg19) VCF-style: chr10-88672049-C-A.
Other names: short protein forms Q195K.
Identifiers: ClinVar variation 220316 (VCV000220316.15), dbSNP rs771910503, ClinGen allele CA350310.

ClinVar aggregate classification (germline): Conflicting classifications of pathogenicity. Review status: criteria provided, conflicting classifications (1 of 4 stars). 4 submissions from 4 submitters: Uncertain significance (3); Benign (1). Last evaluated 2025-04-07.

Conditions:
Juvenile polyposis syndrome (JPS). Identifiers: Orphanet 2929, MedGen C0345893, MONDO:0017380, OMIM 174900.
Hereditary cancer-predisposing syndrome. Also called: Tumor predisposition; Hereditary neoplastic syndrome; Neoplastic Syndromes, Hereditary; Hereditary Cancer Syndrome. Identifiers: Orphanet 140162, MedGen C0027672, MeSH D009386, MONDO:0015356.

Allele frequency attached by ClinVar (database versions not stated): gnomAD 0.00004 and 0.00003; TOPMed 0.00004; gnomAD exomes 0.00001; ExAC 0.00002.
gnomAD v4.1: 5 of 1,613,806 alleles (0.00031%); highest among the groups gnomAD compares: African/African-American, 0.0067%; no homozygotes.

Submissions (4):

Labcorp Genetics (formerly Invitae), Labcorp
Classification: Uncertain significance for Juvenile polyposis syndrome. Last evaluated: 2025-04-07. Review status: criteria provided, single submitter. Criteria: Invitae Variant Classification Sherloc (09022015). Collection method: clinical testing. Allele origin: germline.
Comment: This sequence change replaces glutamine, which is neutral and polar, with lysine, which is basic and polar, at codon 195 of the BMPR1A protein (p.Gln195Lys). This variant is present in population databases (rs771910503, gnomAD 0.02%). This variant has not been reported in the literature in individuals affected with BMPR1A-related conditions. ClinVar contains an entry for this variant (Variation ID: 220316). Invitae Evidence Modeling of protein sequence and biophysical properties (such as structural, functional, and spatial information, amino acid conservation, physicochemical variation, residue mobility, and thermodynamic stability) indicates that this missense variant is not expected to disrupt BMPR1A protein function with a negative predictive value of 80%. In summary, the available evidence is currently insufficient to determine the role of this variant in disease. Therefore, it has been classified as a Variant of Uncertain Significance.

Ambry Genetics
Classification: Benign for Hereditary cancer-predisposing syndrome. Last evaluated: 2024-12-24. Review status: criteria provided, single submitter. Criteria: Ambry Variant Classification Scheme 2023. Collection method: clinical testing. Allele origin: germline.

Color Diagnostics, LLC DBA Color Health
Classification: Uncertain significance for Hereditary cancer-predisposing syndrome. Last evaluated: 2022-03-01. Review status: criteria provided, single submitter. Criteria: ACMG Guidelines, 2015. Collection method: clinical testing. Allele origin: germline.
Comment: This missense variant replaces glutamine with lysine at codon 195 of the BMPR1A protein. Computational prediction suggests that this variant may not impact protein structure and function (internally defined REVEL score threshold <= 0.5, PMID: 27666373). To our knowledge, functional studies have not been reported for this variant. This variant has not been reported in individuals affected with hereditary cancer in the literature. This variant has been identified in 4/282756 chromosomes in the general population by the Genome Aggregation Database (gnomAD). The available evidence is insufficient to determine the role of this variant in disease conclusively. Therefore, this variant is classified as a Variant of Uncertain Significance.

Women's Health and Genetics/Laboratory Corporation of America, LabCorp
Classification: Uncertain significance. Last evaluated: 2020-09-29. Review status: criteria provided, single submitter. Criteria: LabCorp Variant Classification Summary - May 2015. Collection method: clinical testing. Allele origin: germline.
Comment: Variant summary: BMPR1A c.583C>A (p.Gln195Lys) results in a conservative amino acid change in the encoded protein sequence. Four of five in-silico tools predict a benign effect of the variant on protein function. The variant allele was found at a frequency of 8e-06 in 251360 control chromosomes. The available data on variant occurrences in the general population are insufficient to allow any conclusion about variant significance. To our knowledge, no occurrence of c.583C>A in individuals affected with Juvenile Polyposis Syndrome and no experimental evidence demonstrating its impact on protein function have been reported. At-least one co-occurrence with another pathogenic variant has been observed at our laboratory (RAD51C c.97C>T, p.Gln33X), providing supporting evidence for a benign role. One clinical diagnostic laboratory has submitted clinical-significance assessments for this variant to ClinVar after 2014 without evidence for independent evaluation and classified the variant as uncertain significance. Based on the evidence outlined above, the variant was classified as VUS-possibly benign.